The following is an entry in ClinVar:

ClinVar aggregate classification (germline): Likely pathogenic (1 of 4 stars; one submission).

Submission:

Labcorp Genetics (formerly Invitae), Labcorp
Classification: Likely pathogenic. Last evaluated: 2024-06-11. Review status: criteria provided, single submitter. Criteria: Invitae Variant Classification Sherloc (09022015). Collection method: clinical testing. Allele origin: germline.
Comment: This sequence change replaces serine, which is neutral and polar, with arginine, which is basic and polar, at codon 694 of the GRIN2D protein (p.Ser694Arg). This variant is not present in population databases (gnomAD no frequency). This missense change has been observed in individual(s) with epilepsy and/or GRIN2D-related conditions (PMID: 30280376; Invitae). In at least one individual the variant was observed to be de novo. Advanced modeling of protein sequence and biophysical properties (such as structural, functional, and spatial information, amino acid conservation, physicochemical variation, residue mobility, and thermodynamic stability) performed at Invitae indicates that this missense variant is not expected to disrupt GRIN2D protein function with a negative predictive value of 80%. In summary, the currently available evidence indicates that the variant is pathogenic, but additional data are needed to prove that conclusively. Therefore, this variant has been classified as Likely Pathogenic.

Literature cited by the submitters: PubMed 30280376.

NM_000836.4(GRIN2D):c.2082T>A (p.Ser694Arg)

Gene: GRIN2D (glutamate ionotropic receptor NMDA type subunit 2D; plus strand). Cytogenetic location: 19q13.33.
Variant type: single nucleotide variant.
Coding change: c.2082T>A on transcript NM_000836.4 (MANE Select); coding-DNA position 2082, T replaced by A.
Protein change: p.Ser694Arg; replaces serine 694 with arginine.
Molecular consequence: missense variant.
Genome position (GRCh38, 1-based): chr19:48,419,805, T>A. VCF-style: chr19-48419805-T-A. GRCh37 (hg19) VCF-style: chr19-48923062-T-A.
Other names: short protein forms S694R.
Identifiers: ClinVar variation 3652336 (VCV003652336.2).
Genomic context (GRCh38, chr19:48,419,805, plus strand): 5'-AGCCAACCTGGCCGCCTTCATGATCCAGGAGGAGTACGTGGATACTGTGTCTGGGCTCAG[T>A]GACCGCAAGGTGTGTGTGGGCCCAGGGCTGGGCTGGAGCTGGGGCTGGGGCTGGAGGTCA-3'
Protein context (NP_000827.2, residues 684-704): EEYVDTVSGL[Ser694Arg]DRKFQRPQEQ